The following is an entry in ClinVar:

ClinVar aggregate classification (germline): Uncertain significance (1 of 4 stars; one submission).

Conditions:
Polyglandular autoimmune syndrome, type 1 (APS1). Also called: AUTOIMMUNE POLYENDOCRINE SYNDROME, TYPE I, WITH OR WITHOUT REVERSIBLE METAPHYSEAL DYSPLASIA; APS I; Autoimmune polyendocrinopathy syndrome, type I; HYPOADRENOCORTICISM WITH HYPOPARATHYROIDISM AND SUPERFICIAL MONILIASIS; PGA I; Autoimmune polyendocrine syndrome type 1. Identifiers: Orphanet 3453, MedGen C0085859, MONDO:0009411, OMIM 240300.

gnomAD v4.1: 5 of 1,612,652 alleles (0.00031%); highest among the groups gnomAD compares: African/African-American, 0.0053%; no homozygotes.

Submission:

Labcorp Genetics (formerly Invitae), Labcorp
Classification: Uncertain significance for Polyglandular autoimmune syndrome, type 1. Last evaluated: 2025-09-23. Review status: criteria provided, single submitter. Criteria: Invitae Variant Classification Sherloc (09022015). Collection method: clinical testing. Allele origin: germline.
Comment: This sequence change replaces glycine, which is neutral and non-polar, with aspartic acid, which is acidic and polar, at codon 219 of the AIRE protein (p.Gly219Asp). This variant is present in population databases (no rsID available, gnomAD 0.007%). This variant has not been reported in the literature in individuals affected with AIRE-related conditions. Invitae Evidence Modeling of protein sequence and biophysical properties (such as structural, functional, and spatial information, amino acid conservation, physicochemical variation, residue mobility, and thermodynamic stability) has been performed for this missense variant. However, the output from this modeling did not meet the statistical confidence thresholds required to predict the impact of this variant on AIRE protein function. In summary, the available evidence is currently insufficient to determine the role of this variant in disease. Therefore, it has been classified as a Variant of Uncertain Significance.

NM_000383.4(AIRE):c.656G>A (p.Gly219Asp)

Gene: AIRE (autoimmune regulator; plus strand). Cytogenetic location: 21q22.3.
Variant type: single nucleotide variant.
Coding change: c.656G>A on transcript NM_000383.4 (MANE Select); coding-DNA position 656, G replaced by A.
Protein change: p.Gly219Asp; replaces glycine 219 with aspartic acid.
Molecular consequence: missense variant.
Genome position (GRCh38, 1-based): chr21:44,289,660, G>A. VCF-style: chr21-44289660-G-A. GRCh37 (hg19) VCF-style: chr21-45709543-G-A.
Other names: short protein forms G219D.
Identifiers: ClinVar variation 4798883 (VCV004798883.1).